The following is an entry in ClinVar:

NM_000069.3(CACNA1S):c.2047C>A (p.Arg683Ser)

Gene: CACNA1S (calcium voltage-gated channel subunit alpha1 S; minus strand). Cytogenetic location: 1q32.1.
Variant type: single nucleotide variant.
Coding change: c.2047C>A on transcript NM_000069.3 (MANE Select); coding-DNA position 2047, C replaced by A.
Protein change: p.Arg683Ser; replaces arginine 683 with serine.
Molecular consequence: missense variant.
Genome position (GRCh38, 1-based): chr1:201,074,522, G>T on the plus strand (C>A on the coding strand, the complement: CACNA1S is on the minus strand). VCF-style: chr1-201074522-G-T. GRCh37 (hg19) VCF-style: chr1-201043650-G-T.
Other names: short protein forms R683S.
Identifiers: ClinVar variation 1522097 (VCV001522097.9), dbSNP rs35708442, ClinGen allele CA078756.

ClinVar aggregate classification (germline): Conflicting classifications of pathogenicity. Review status: criteria provided, conflicting classifications (1 of 4 stars). 2 submissions from 2 submitters: Uncertain significance (1); Likely benign (1). Last evaluated 2025-07-09.

Conditions:
Malignant hyperthermia, susceptibility to, 5 (MHS5). Also called: CACNA1S-Related Malignant Hyperthermia Susceptibility. Identifiers: Orphanet 423, MedGen C1866077, MONDO:0011163, OMIM 601887.
Hypokalemic periodic paralysis, type 1. Also called: HypoPP; Hypokalemic Periodic Paralysis Type 1 (AD). Identifiers: Orphanet 681, MedGen C3714580, MONDO:0042979, OMIM 170400.

gnomAD v4.1: 12 of 1,612,176 alleles (0.00074%); highest among the groups gnomAD compares: Middle Eastern, 0.016%; no homozygotes.

Submissions (2):

Color Diagnostics, LLC DBA Color Health
Classification: Uncertain significance for Malignant hyperthermia, susceptibility to, 5. Last evaluated: 2025-07-09. Review status: criteria provided, single submitter. Criteria: ACMG Guidelines, 2015. Collection method: clinical testing. Allele origin: germline.
Comment: This missense variant replaces arginine with serine at codon 683 of the CACNA1S protein. Computational prediction is inconclusive regarding the impact of this variant on protein structure and function. To our knowledge, functional studies have not been reported for this variant. This variant has been reported in an individual affected with malignant hyperthermia susceptibility (PMID: 25658027). This variant has been identified in 2/282322 chromosomes in the general population by the Genome Aggregation Database (gnomAD). The available evidence is insufficient to determine the role of this variant in disease conclusively. Therefore, this variant is classified as a Variant of Uncertain Significance.

Labcorp Genetics (formerly Invitae), Labcorp
Classification: Likely benign for Hypokalemic periodic paralysis, type 1; Malignant hyperthermia, susceptibility to, 5. Last evaluated: 2024-10-26. Review status: criteria provided, single submitter. Criteria: Invitae Variant Classification Sherloc (09022015). Collection method: clinical testing. Allele origin: germline.

Literature cited by the submitters: PubMed 25658027 (cited by Color Diagnostics, LLC DBA Color Health).